The following is an entry in ClinVar:

ClinVar aggregate classification (germline): Conflicting classifications of pathogenicity. Review status: criteria provided, conflicting classifications (1 of 4 stars). 7 submissions from 7 submitters: Uncertain significance (5); Likely benign (1). 1 of the submissions does not count toward it. Last evaluated 2024-03-26.

Conditions:
Bardet-Biedl syndrome 10 (BBS10). Identifiers: Orphanet 110, MedGen C1859568, MONDO:0014438, OMIM 615987.
BBS10-related disorder. Also called: BBS10-related condition.
Inborn genetic diseases. Identifiers: MedGen C0950123, MeSH D030342.
Bardet-Biedl syndrome (BBS). Identifiers: Orphanet 110, MedGen C0752166, MONDO:0015229.

Allele frequency attached by ClinVar (database versions not stated): gnomAD exomes 0.00007 and 0.00025; gnomAD 0.00008 and 0.00006; TOPMed 0.00008; ExAC 0.00007.
gnomAD v4.1: 372 of 1,610,700 alleles (0.023%); highest among the groups gnomAD compares: Non-Finnish European, 0.03%; no homozygotes.

Submissions (7):

Blueprint Genetics
Classification: Uncertain significance. Last evaluated: 2024-03-26. Review status: criteria provided, single submitter. Criteria: ACMG Guidelines, 2015. Collection method: clinical testing. Allele origin: germline.

Fulgent Genetics
Classification: Uncertain significance for Bardet-Biedl syndrome 10. Last evaluated: 2023-12-22. Review status: criteria provided, single submitter. Criteria: ACMG Guidelines, 2015. Collection method: clinical testing. Allele origin: germline.

Ambry Genetics
Classification: Likely benign for Inborn genetic diseases. Last evaluated: 2023-07-12. Review status: criteria provided, single submitter. Criteria: Ambry Variant Classification Scheme 2023. Collection method: clinical testing. Allele origin: germline.

Labcorp Genetics (formerly Invitae), Labcorp
Classification: Uncertain significance for Bardet-Biedl syndrome. Last evaluated: 2022-08-16. Review status: criteria provided, single submitter. Criteria: Invitae Variant Classification Sherloc (09022015). Collection method: clinical testing. Allele origin: germline.
Comment: This sequence change replaces arginine, which is basic and polar, with glutamine, which is neutral and polar, at codon 343 of the BBS10 protein (p.Arg343Gln). This variant is present in population databases (rs201335653, gnomAD 0.01%). This variant has not been reported in the literature in individuals affected with BBS10-related conditions. ClinVar contains an entry for this variant (Variation ID: 310493). Algorithms developed to predict the effect of missense changes on protein structure and function (SIFT, PolyPhen-2, Align-GVGD) all suggest that this variant is likely to be tolerated. Algorithms developed to predict the effect of sequence changes on RNA splicing suggest that this variant may create or strengthen a splice site. In summary, the available evidence is currently insufficient to determine the role of this variant in disease. Therefore, it has been classified as a Variant of Uncertain Significance.

Illumina Laboratory Services, Illumina
Classification: Uncertain significance for Bardet-Biedl syndrome 10. Last evaluated: 2018-01-13. Review status: criteria provided, single submitter. Criteria: ICSL Variant Classification Criteria 13 December 2019. Collection method: clinical testing. Allele origin: germline.

Eurofins Ntd Llc (ga)
Classification: Uncertain significance. Last evaluated: 2017-05-28. Review status: criteria provided, single submitter. Criteria: EGL Classification Definitions 2015. Collection method: clinical testing. Allele origin: germline. Observed: 1 variant allele, 1 heterozygote.

PreventionGenetics, part of Exact Sciences
Classification: Uncertain significance for BBS10-related condition. Last evaluated: 2024-04-09. Review status: no assertion criteria provided. Collection method: clinical testing. Allele origin: germline. Not counted in ClinVar's aggregate classification.
Comment: The BBS10 c.1028G>A variant is predicted to result in the amino acid substitution p.Arg343Gln. To our knowledge, this variant has not been reported in the literature. This variant is reported in 0.013% of alleles in individuals of European (Non-Finnish) descent in gnomAD. At this time, the clinical significance of this variant is uncertain due to the absence of conclusive functional and genetic evidence.

NM_024685.4(BBS10):c.1028G>A (p.Arg343Gln)

Gene: BBS10 (Bardet-Biedl syndrome 10; minus strand). Cytogenetic location: 12q21.2.
Variant type: single nucleotide variant.
Coding change: c.1028G>A on transcript NM_024685.4 (MANE Select); coding-DNA position 1028, G replaced by A.
Protein change: p.Arg343Gln; replaces arginine 343 with glutamine.
Molecular consequence: missense variant.
Genome position (GRCh38, 1-based): chr12:76,346,957, C>T on the plus strand (G>A on the coding strand, the complement: BBS10 is on the minus strand). VCF-style: chr12-76346957-C-T. GRCh37 (hg19) VCF-style: chr12-76740737-C-T.
Other names: c.1028G>A, p.Arg343Gln (LRG_1255t1); short protein forms R343Q.
Identifiers: ClinVar variation 310493 (VCV000310493.18), dbSNP rs201335653, ClinGen allele CA6694243.